The following is an entry in ClinVar:

NM_001002755.4(NFU1):c.302+269A>T

Gene: NFU1 (NFU1 iron-sulfur cluster scaffold; minus strand). Cytogenetic location: 2p13.3.
Variant type: single nucleotide variant.
Coding change: c.302+269A>T on transcript NM_001002755.4 (MANE Select); 269 bases into the intron after coding-DNA position 302, A replaced by T.
Molecular consequence: intron variant.
Genome position (GRCh38, 1-based): chr2:69,423,313, T>A on the plus strand (A>T on the coding strand, the complement: NFU1 is on the minus strand). VCF-style: chr2-69423313-T-A. GRCh37 (hg19) VCF-style: chr2-69650445-T-A.
Other names: c.230+269A>T (NM_015700.4, NM_001374284.1); c.-121-3709A>T (NM_001002756.2).
Identifiers: ClinVar variation 673395 (VCV000673395.1), dbSNP rs67662551, ClinGen allele CA49525062.

ClinVar aggregate classification (germline): Benign (1 of 4 stars; one submission).

Allele frequency attached by ClinVar (database versions not stated): 1000 Genomes Project 30x 0.11196; 1000 Genomes Project 0.11282; gnomAD 0.13327 and 0.13433.
gnomAD v4.1: 19,564 of 146,622 alleles (13%); highest among the groups gnomAD compares: Non-Finnish European, 17%; 1,417 homozygotes.

Submission:

GeneDx
Classification: Benign. Last evaluated: 2018-06-16. Review status: criteria provided, single submitter. Criteria: GeneDx Variant Classification (06012015). Collection method: clinical testing. Allele origin: germline. Affected: yes.
Comment: This variant is considered likely benign or benign based on one or more of the following criteria: it is a conservative change, it occurs at a poorly conserved position in the protein, it is predicted to be benign by multiple in silico algorithms, and/or has population frequency not consistent with disease.